The following is an entry in ClinVar:

NM_053025.4(MYLK):c.3210_3211delinsTA (p.Val1071Ile)

Gene: MYLK (myosin light chain kinase; minus strand). Cytogenetic location: 3q21.1.
Variant type: Indel.
Coding change: c.3210_3211delinsTA on transcript NM_053025.4 (MANE Select); coding-DNA positions 3210 to 3211, CG replaced by TA.
Protein change: p.Val1071Ile; replaces valine 1071 with isoleucine.
Molecular consequence: missense variant.
Genome position (GRCh38, 1-based): chr3:123,700,257-123,700,258, CG replaced by TA on the plus strand (CG replaced by TA on the coding strand, the reverse complement: MYLK is on the minus strand). VCF-style: chr3-123700257-CG-TA. GRCh37 (hg19) VCF-style: chr3-123419104-CG-TA.
Other names: c.2682_2683delinsTA, p.Val895Ile (NM_001321309.2); c.3003_3004delinsTA, p.Val1002Ile (NM_053026.4, NM_053028.4); c.3210_3211delinsTA, p.Val1071Ile (NM_053027.4); short protein forms V1002I, V1071I, V895I.
Identifiers: ClinVar variation 2871574 (VCV002871574.3), dbSNP rs2474168689, ClinGen allele CA2739279719.
Genomic context (GRCh38, chr3:123,700,257, plus strand): 5'-ATCTCTTTTCATTATCTGTGGTCCCTGCATGGCCTCTCTTGCAGTTCACATCATTCTTAA[CG>TA]TCTTTCTTGAGTTCTTCTTTGCTAGCGGATTTCAGGTTCTCATCAGGCTTGGCATTGCCC-3'
Protein context (NP_444253.3, residues 1061-1081): SASKEELKKD[Val1071Ile]KNDVNCKRGH

ClinVar aggregate classification (germline): Uncertain significance (1 of 4 stars; one submission).

Conditions:
Aortic aneurysm, familial thoracic 7 (AAT7). Also called: AORTIC DISSECTION, FAMILIAL, WITH OR WITHOUT AORTIC ANEURYSM. Identifiers: MedGen C3151077, MONDO:0013418, OMIM 613780.

Submission:

Labcorp Genetics (formerly Invitae), Labcorp
Classification: Uncertain significance for Aortic aneurysm, familial thoracic 7. Last evaluated: 2023-10-13. Review status: criteria provided, single submitter. Criteria: Invitae Variant Classification Sherloc (09022015). Collection method: clinical testing. Allele origin: germline.
Comment: This sequence change replaces valine, which is neutral and non-polar, with isoleucine, which is neutral and non-polar, at codon 1071 of the MYLK protein (p.Val1071Ile). Information on the frequency of this variant in the gnomAD database is not available, as this variant may be reported differently in the database. This variant has not been reported in the literature in individuals affected with MYLK-related conditions. Experimental studies and prediction algorithms are not available or were not evaluated, and the functional significance of this variant is currently unknown. In summary, the available evidence is currently insufficient to determine the role of this variant in disease. Therefore, it has been classified as a Variant of Uncertain Significance.